The following is an entry in ClinVar:

NM_031935.3(HMCN1):c.7048C>A (p.Leu2350Met)

Gene: HMCN1 (hemicentin 1; plus strand). Cytogenetic location: 1q31.1.
Variant type: single nucleotide variant.
Coding change: c.7048C>A on transcript NM_031935.3 (MANE Select); coding-DNA position 7048, C replaced by A.
Protein change: p.Leu2350Met; replaces leucine 2350 with methionine.
Molecular consequence: missense variant.
Genome position (GRCh38, 1-based): chr1:186,055,578, C>A. VCF-style: chr1-186055578-C-A. GRCh37 (hg19) VCF-style: chr1-186024710-C-A.
Other names: short protein forms L2350M.
Identifiers: ClinVar variation 294180 (VCV000294180.13), dbSNP rs201628935, ClinGen allele CA1292725.

ClinVar aggregate classification (germline): Likely benign. Review status: criteria provided, multiple submitters, no conflicts (2 of 4 stars). 5 submissions from 5 submitters: Likely benign (5). Last evaluated 2026-01-26.

Conditions:
Age related macular degeneration 1 (ARMD1). Also called: MACULOPATHY, AGE-RELATED, 1. Identifiers: MedGen C1864205, MONDO:0011285, OMIM 603075.

Allele frequency attached by ClinVar (database versions not stated): ESP Exome Variant Server 0.00008; gnomAD 0.00033 and 0.00042; TOPMed 0.00037; 1000 Genomes Project 30x 0.00047; gnomAD exomes 0.00049 and 0.00051; ExAC 0.00055; 1000 Genomes Project 0.00060.
gnomAD v4.1: 817 of 1,612,782 alleles (0.051%); highest among the groups gnomAD compares: Middle Eastern, 1.6%; 5 homozygotes.

Submissions (5):

Labcorp Genetics (formerly Invitae), Labcorp
Classification: Likely benign. Last evaluated: 2026-01-26. Review status: criteria provided, single submitter. Criteria: Invitae Variant Classification Sherloc (09022015). Collection method: clinical testing. Allele origin: germline.

Genomic Medicine Center of Excellence, King Faisal Specialist Hospital and Research Centre
Classification: Likely benign. Last evaluated: 2025-08-18. Review status: criteria provided, single submitter. Criteria: ACMG Guidelines, 2015. Collection method: clinical testing. Allele origin: germline.

Blueprint Genetics
Classification: Likely benign. Last evaluated: 2024-11-07. Review status: criteria provided, single submitter. Criteria: ACMG Guidelines, 2015. Collection method: clinical testing. Allele origin: germline.

Genome-Nilou Lab
Classification: Likely benign for Age related macular degeneration 1. Last evaluated: 2023-04-11. Review status: criteria provided, single submitter. Criteria: ACMG Guidelines, 2015. Collection method: clinical testing. Allele origin: germline. Affected: no.

Illumina Laboratory Services, Illumina
Classification: Likely benign for Age related macular degeneration 1. Last evaluated: 2018-01-13. Review status: criteria provided, single submitter. Criteria: ICSL Variant Classification Criteria 13 December 2019. Collection method: clinical testing. Allele origin: germline.
Comment: This variant was observed in the ICSL laboratory as part of a predisposition screen in an ostensibly healthy population. It had not been previously curated by ICSL or reported in the Human Gene Mutation Database (HGMD: prior to June 1st, 2018), and was therefore a candidate for classification through an automated scoring system. Utilizing variant allele frequency, disease prevalence and penetrance estimates, and inheritance mode, an automated score was calculated to assess if this variant is too frequent to cause the disease. Based on the score and internal cut-off values, a variant classified as likely benign is not then subjected to further curation. The score for this variant resulted in a classification of likely benign for this disease.